The following is an entry in ClinVar:

ClinVar aggregate classification (germline): Uncertain significance (1 of 4 stars; one submission).

Conditions:
Cardiovascular phenotype. Identifiers: MedGen CN230736.

Submission:

Ambry Genetics
Classification: Uncertain significance for Cardiovascular phenotype. Last evaluated: 2025-11-26. Review status: criteria provided, single submitter. Criteria: Ambry Variant Classification Scheme 2023. Collection method: clinical testing. Allele origin: germline.
Comment: The p.R3381Q variant (also known as c.10142G>A), located in coding exon 70 of the DMD gene, results from a G to A substitution at nucleotide position 10142. The arginine at codon 3381 is replaced by glutamine, an amino acid with highly similar properties. This amino acid position is highly conserved in available vertebrate species. In addition, this alteration is predicted to be deleterious by in silico analysis. Based on the available evidence, the clinical significance of this variant remains unclear.

NM_004006.3(DMD):c.10142G>A (p.Arg3381Gln)

Gene: DMD (dystrophin; minus strand). Cytogenetic location: Xp21.2.
Variant type: single nucleotide variant.
Coding change: c.10142G>A on transcript NM_004006.3 (MANE Select); coding-DNA position 10142, G replaced by A.
Protein change: p.Arg3381Gln; replaces arginine 3381 with glutamine.
Molecular consequence: missense variant.
Genome position (GRCh38, 1-based): chrX:31,178,750, C>T on the plus strand (G>A on the coding strand, the complement: DMD is on the minus strand). VCF-style: chrX-31178750-C-T. GRCh37 (hg19) VCF-style: chrX-31196867-C-T.
Other names: c.10118G>A, p.Arg3373Gln (NM_000109.4); c.10130G>A, p.Arg3377Gln (NM_004009.3); c.9773G>A, p.Arg3258Gln (NM_004010.3); c.6119G>A, p.Arg2040Gln (NM_004011.4); c.6110G>A, p.Arg2037Gln (NM_004012.4); c.2762G>A, p.Arg921Gln (NM_004013.3, NM_004020.4, NM_004021.3 and 2 more transcripts); c.1955G>A, p.Arg652Gln (NM_004014.3); c.938G>A, p.Arg313Gln (NM_004015.3, NM_004016.3, NM_004017.3 and 2 more transcripts); short protein forms R2037Q, R2040Q, R3373Q, R313Q, R921Q, R3258Q, R3377Q, R3381Q.
Identifiers: ClinVar variation 4613979 (VCV004613979.1).